The following is an entry in ClinVar:

ClinVar aggregate classification (germline): Uncertain significance (1 of 4 stars; one submission).

Conditions:
Cardiovascular phenotype. Identifiers: MedGen CN230736.

Submission:

Ambry Genetics
Classification: Uncertain significance for Cardiovascular phenotype. Last evaluated: 2026-07-19. Review status: criteria provided, single submitter. Criteria: Ambry Variant Classification Scheme 2023. Collection method: clinical testing. Allele origin: germline.
Comment: The p.A170S variant (also known as c.508G>T), located in coding exon 1 of the FOXE3 gene, results from a G to T substitution at nucleotide position 508. The alanine at codon 170 is replaced by serine, an amino acid with similar properties. This amino acid position is conserved. In addition, this alteration is predicted to be tolerated by in silico analysis. Based on the available evidence, the clinical significance of this variant remains unclear.

NM_012186.3(FOXE3):c.508G>T (p.Ala170Ser)

Genes: FOXE3 (forkhead box E3; plus strand), LINC01389 (long independently transcribed non-coding RNA 1389; minus strand). Cytogenetic location: 1p33.
Variant type: single nucleotide variant.
Coding change: c.508G>T on transcript NM_012186.3 (MANE Select); coding-DNA position 508, G replaced by T.
Protein change: p.Ala170Ser; replaces alanine 170 with serine.
Molecular consequence: missense variant.
Genome position (GRCh38, 1-based): chr1:47,416,823, G>T. VCF-style: chr1-47416823-G-T. GRCh37 (hg19) VCF-style: chr1-47882495-G-T.
Other names: short protein forms A170S.
Identifiers: ClinVar variation 5022010 (VCV005022010.1).